The following is an entry in ClinVar:

ClinVar aggregate classification (germline): Uncertain significance. Review status: criteria provided, multiple submitters, no conflicts (2 of 4 stars). 3 submissions from 3 submitters: Uncertain significance (3). Last evaluated 2025-11-24.

Conditions:
Hereditary cancer-predisposing syndrome. Also called: Hereditary neoplastic syndrome; Neoplastic Syndromes, Hereditary; Tumor predisposition; Hereditary Cancer Syndrome. Identifiers: Orphanet 140162, MedGen C0027672, MeSH D009386, MONDO:0015356.

Allele frequency attached by ClinVar (database versions not stated): gnomAD exomes below 0.00001 and 0.00001; gnomAD 0.00001; TOPMed 0.00001; ExAC 0.00002; 1000 Genomes Project 30x 0.00016; 1000 Genomes Project 0.00020.
gnomAD v4.1: 2 of 1,613,292 alleles (0.00012%); highest among the groups gnomAD compares: East Asian, 0.0045%; no homozygotes.

Submissions (3):

Ambry Genetics
Classification: Uncertain significance for Hereditary cancer-predisposing syndrome. Last evaluated: 2025-11-24. Review status: criteria provided, single submitter. Criteria: Ambry Variant Classification Scheme 2023. Collection method: clinical testing. Allele origin: germline.
Comment: The p.V2156I variant (also known as c.6466G>A), located in coding exon 46 of the POLE gene, results from a G to A substitution at nucleotide position 6466. The valine at codon 2156 is replaced by isoleucine, an amino acid with highly similar properties. This amino acid position is conserved. In addition, this alteration is predicted to be tolerated by in silico analysis. Since supporting evidence is limited at this time, the clinical significance of this alteration remains unclear.

Labcorp Genetics (formerly Invitae), Labcorp
Classification: Uncertain significance. Last evaluated: 2024-11-05. Review status: criteria provided, single submitter. Criteria: Invitae Variant Classification Sherloc (09022015). Collection method: clinical testing. Allele origin: germline.
Comment: This sequence change replaces valine, which is neutral and non-polar, with isoleucine, which is neutral and non-polar, at codon 2156 of the POLE protein (p.Val2156Ile). This variant is present in population databases (rs542978638, gnomAD 0.02%). This variant has not been reported in the literature in individuals affected with POLE-related conditions. ClinVar contains an entry for this variant (Variation ID: 422648). Invitae Evidence Modeling of protein sequence and biophysical properties (such as structural, functional, and spatial information, amino acid conservation, physicochemical variation, residue mobility, and thermodynamic stability) indicates that this missense variant is not expected to disrupt POLE protein function with a negative predictive value of 80%. In summary, the available evidence is currently insufficient to determine the role of this variant in disease. Therefore, it has been classified as a Variant of Uncertain Significance.

GeneDx
Classification: Uncertain significance. Last evaluated: 2016-10-31. Review status: criteria provided, single submitter. Criteria: GeneDx Variant Classification (06012015). Collection method: clinical testing. Allele origin: germline. Affected: yes.
Comment: This variant is denoted POLE c.6466G>A at the cDNA level, p.Val2156Ile (V2156I) at the protein level, and results in the change of a Valine to an Isoleucine (GTC>ATC). This variant has not, to our knowledge, been published in the literature as pathogenic or benign. POLE Val2156Ile was not observed at a significant allele frequency in 1000 Genomes. Since Valine and Isoleucine share similar properties, this is considered a conservative amino acid substitution. POLE Val2156Ile occurs at a position where amino acids with properties similar to Valine are tolerated across species and is located in the zinc finger domains (Tahirov 2009). In silico analyses are inconsistent regarding the effect this variant may have on protein structure and function. Based on currently available evidence, it is unclear whether POLE Val2156Ile is a pathogenic or benign variant. We consider it to be a variant of uncertain significance.

NM_006231.4(POLE):c.6466G>A (p.Val2156Ile)

Gene: POLE (DNA polymerase epsilon, catalytic subunit; minus strand). Cytogenetic location: 12q24.33.
Variant type: single nucleotide variant.
Coding change: c.6466G>A on transcript NM_006231.4 (MANE Select); coding-DNA position 6466, G replaced by A.
Protein change: p.Val2156Ile; replaces valine 2156 with isoleucine.
Molecular consequence: missense variant.
Genome position (GRCh38, 1-based): chr12:132,626,182, C>T on the plus strand (G>A on the coding strand, the complement: POLE is on the minus strand). VCF-style: chr12-132626182-C-T. GRCh37 (hg19) VCF-style: chr12-133202768-C-T.
Other names: short protein forms V2156I.
Identifiers: ClinVar variation 422648 (VCV000422648.12), dbSNP rs542978638, ClinGen allele CA6892171.